The following is an entry in ClinVar:

ClinVar aggregate classification (germline): Pathogenic/Likely pathogenic. Review status: criteria provided, multiple submitters, no conflicts (2 of 4 stars). 7 submissions from 7 submitters: Pathogenic (2); Likely pathogenic (2). 3 of the submissions do not count toward it. Last evaluated 2026-01-06.

Conditions:
TGM1-related disorder. Also called: TGM1-related condition.
Autosomal recessive congenital ichthyosis 1 (LI1). Also called: COLLODION FETUS; DESQUAMATION OF NEWBORN; ICHTHYOSIS CONGENITA; ICHTHYOSIS CONGENITA II; ICHTHYOSIS, CONGENITAL, AUTOSOMAL RECESSIVE 1, WITH BATHING SUIT DISTRIBUTION; ICHTHYOSIS, CONGENITAL, AUTOSOMAL RECESSIVE 1, WITH OR WITHOUT BATHING SUIT DISTRIBUTION. Identifiers: MedGen C4551630, MONDO:0009441, OMIM 242300.

Allele frequency attached by ClinVar (database versions not stated): gnomAD exomes 0.00003 and 0.00004; gnomAD 0.00004 and 0.00006; ExAC 0.00002; TOPMed 0.00006.

Submissions (7):

Labcorp Genetics (formerly Invitae), Labcorp
Classification: Pathogenic. Last evaluated: 2026-01-06. Review status: criteria provided, single submitter. Criteria: Invitae Variant Classification Sherloc (09022015). Collection method: clinical testing. Allele origin: germline.
Comment: This sequence change replaces arginine, which is basic and polar, with cysteine, which is neutral and slightly polar, at codon 126 of the TGM1 protein (p.Arg126Cys). This variant is present in population databases (rs397514524, gnomAD 0.007%). This missense change has been observed in individuals with congenital ichthyosis (PMID: 16968736, 19241467). ClinVar contains an entry for this variant (Variation ID: 39528). Invitae Evidence Modeling of protein sequence and biophysical properties (such as structural, functional, and spatial information, amino acid conservation, physicochemical variation, residue mobility, and thermodynamic stability) indicates that this missense variant is expected to disrupt TGM1 protein function with a positive predictive value of 80%. Experimental studies have shown that this missense change affects TGM1 function (PMID: 19212342). This variant disrupts the p.Arg126 amino acid residue in TGM1. Other variant(s) that disrupt this residue have been determined to be pathogenic (PMID: 19241467, 22437313, 31046801, 31168818). This suggests that this residue is clinically significant, and that variants that disrupt this residue are likely to be disease-causing. For these reasons, this variant has been classified as Pathogenic.

Natera, Inc.
Classification: Pathogenic for Autosomal recessive congenital ichthyosis type 1. Last evaluated: 2025-12-28. Review status: criteria provided, single submitter. Criteria: Natera Variant Classification Schema (03/2026). Collection method: clinical testing. Allele origin: germline.
Comment: The c.376C>T variant in TGM1 is a missense variant predicted to cause substitution of arginine to cysteine at amino acid 126. This variant is rare in the general population with a frequency below the threshold expected for the associated phenotype(s). This variant has been observed in one or more individuals affected with the associated recessive disease, as either homozygous or compound heterozygous with a second variant (PMID: 31046801, 16968736). Functional studies show that this variant may disrupt protein function (PMID: 19212342). A different variant at the same position has been determined to be Pathogenic or Likely Pathogenic. Computational prediction algorithms indicate this variant is likely to affect gene or protein function. Given the available evidence, this variant is classified as Pathogenic.

Fulgent Genetics
Classification: Likely pathogenic for Autosomal recessive congenital ichthyosis 1. Last evaluated: 2024-05-06. Review status: criteria provided, single submitter. Criteria: ACMG Guidelines, 2015. Collection method: clinical testing. Allele origin: germline.

Blueprint Genetics
Classification: Likely pathogenic for TGM1-related disorders. Last evaluated: 2024-03-18. Review status: criteria provided, single submitter. Criteria: ACMG Guidelines, 2015. Collection method: clinical testing. Allele origin: germline. Affected: yes. Observed: 5 variant alleles.

Counsyl
Classification: Uncertain significance for Autosomal recessive congenital ichthyosis 1. Last evaluated: 2018-02-27. Review status: no assertion criteria provided. Collection method: clinical testing. Allele origin: unknown. Not counted in ClinVar's aggregate classification.

OMIM
Classification: Pathogenic for ICHTHYOSIS, CONGENITAL, AUTOSOMAL RECESSIVE 1, WITH BATHING SUIT DISTRIBUTION. Last evaluated: 2009-08-01. Review status: no assertion criteria provided. Collection method: literature only. Allele origin: germline. Not counted in ClinVar's aggregate classification.

Department of Pathology and Laboratory Medicine, Sinai Health System
Classification: Likely pathogenic. Review status: no assertion criteria provided. Collection method: clinical testing. Allele origin: unknown. Affected: yes. Study: The Canadian Open Genetics Repository (COGR). Not counted in ClinVar's aggregate classification.
Comment: The TGM1 p.R126C variant was identified as a compound heterozygous variant in 3 of 164 proband chromosomes (frequency: 0.0183) from individuals with Autosomal Recessive Congenital Ichthyosis (Herman_2009_PMID:19241467; BorskâˆšÂ°_2019_PMID:31046801; Oji_2006_PMID:16968736). The variant was identified in dbSNP (ID: rs397514524) and ClinVar (classified as uncertain significance by Counsyl for Autosomal recessive congenital ichthyosis 1). The variant was identified in control databases in 7 of 251168 chromosomes at a frequency of 0.00002787 (Genome Aggregation Database March 6, 2019, v2.1.1). The variant was observed in the following populations: Other in 1 of 6126 chromosomes (freq: 0.000163), African in 1 of 16206 chromosomes (freq: 0.000062), European (Finnish) in 1 of 21594 chromosomes (freq: 0.000046) and European (non-Finnish) in 4 of 113590 chromosomes (freq: 0.000035), but was not observed in the Latino, Ashkenazi Jewish, East Asian, or South Asian populations. The p.R126 residue is conserved in mammals but not in more distantly related organisms, and computational analyses (PolyPhen-2, SIFT, AlignGVGD, BLOSUM, MutationTaster) suggest that the variant may impact the protein. The variant occurs outside of the splicing consensus sequence and in silico or computational prediction software programs (SpliceSiteFinder, MaxEntScan, NNSPLICE, GeneSplicer) do not predict a difference in splicing. This variant showed reduced expression and reduced relative TGase-1 protein activity compared to the wild-type (Oji_2006_PMID:16968736; Aufenvenne_2009_PMID:19212342). In summary, based on the above information the clinical significance of this variant cannot be determined with certainty at this time although we would lean towards a more pathogenic role for this variant. This variant is classified as likely pathogenic.

Literature cited by the submitters: PubMed 16968736 (cited by 4 submitters); PubMed 19241467 (cited by Labcorp Genetics (formerly Invitae), Labcorp and Counsyl); PubMed 19212342 (cited by 4 submitters); PubMed 22437313 (cited by Labcorp Genetics (formerly Invitae), Labcorp); PubMed 31046801 (cited by Labcorp Genetics (formerly Invitae), Labcorp and Natera, Inc.); PubMed 31168818 (cited by Labcorp Genetics (formerly Invitae), Labcorp).

NM_000359.3(TGM1):c.376C>T (p.Arg126Cys)

Gene: TGM1 (transglutaminase 1; minus strand). Cytogenetic location: 14q12.
Variant type: single nucleotide variant.
Coding change: c.376C>T on transcript NM_000359.3 (MANE Select); coding-DNA position 376, C replaced by T.
Protein change: p.Arg126Cys; replaces arginine 126 with cysteine.
Molecular consequence: missense variant.
Genome position (GRCh38, 1-based): chr14:24,261,827, G>A on the plus strand (C>T on the coding strand, the complement: TGM1 is on the minus strand). VCF-style: chr14-24261827-G-A. GRCh37 (hg19) VCF-style: chr14-24731033-G-A.
Other names: short protein forms R126C.
Identifiers: ClinVar variation 39528 (VCV000039528.19), dbSNP rs397514524, ClinGen allele CA261150.